The following is an entry in ClinVar:

NM_021954.4(GJA3):c.*223T>G

Gene: GJA3 (gap junction protein alpha 3; minus strand). Cytogenetic location: 13q12.11.
Variant type: single nucleotide variant.
Coding change: c.*223T>G on transcript NM_021954.4 (MANE Select); 223 bases downstream of the stop codon, T replaced by G.
Molecular consequence: 3 prime UTR variant.
Genome position (GRCh38, 1-based): chr13:20,141,758, A>C on the plus strand (T>G on the coding strand, the complement: GJA3 is on the minus strand). VCF-style: chr13-20141758-A-C. GRCh37 (hg19) VCF-style: chr13-20715897-A-C.
Identifiers: ClinVar variation 880787 (VCV000880787.4), dbSNP rs78201355, ClinGen allele CA246469052.
Genomic context (GRCh38, chr13:20,141,758, plus strand): 5'-AGATTTCTGGGCTGCTGTGAAGATCTTAAAGGCCCACAACCCTTGTCCCCGCCACCCCCA[A>C]ACTCAGAAAGTGGGAGTTATCCCCACTGTAACTCACAGTGCTAAGAACAGCAAGCATTGA-3'

ClinVar aggregate classification (germline): Benign (1 of 4 stars; one submission).

Conditions:
Cataract 14 multiple types. Also called: CATARACT 14, ZONULAR PULVERULENT; CATARACT 14, NUCLEAR PULVERULENT; CATARACT 14, NUCLEAR PULVERULENT AND POSTERIOR POLAR; CATARACT 14, NUCLEAR CORALLIFORM; CATARACT 14, EMBRYONAL NUCLEAR; CATARACT 14, COPPOCK-LIKE. Identifiers: Orphanet 91492, MedGen C1866078, MONDO:0011162, OMIM 601885.

Allele frequency attached by ClinVar (database versions not stated): 1000 Genomes Project 0.00140; 1000 Genomes Project 30x 0.00156; TOPMed 0.00280; gnomAD 0.00320 and 0.00330; gnomAD exomes 0.00447.

Submission:

Illumina Laboratory Services, Illumina
Classification: Benign for Cataract 14 multiple types. Last evaluated: 2018-01-12. Review status: criteria provided, single submitter. Criteria: ICSL Variant Classification Criteria 13 December 2019. Collection method: clinical testing. Allele origin: germline.
Comment: This variant was observed in the ICSL laboratory as part of a predisposition screen in an ostensibly healthy population. It had not been previously curated by ICSL or reported in the Human Gene Mutation Database (HGMD: prior to June 1st, 2018), and was therefore a candidate for classification through an automated scoring system. Utilizing variant allele frequency, disease prevalence and penetrance estimates, and inheritance mode, an automated score was calculated to assess if this variant is too frequent to cause the disease. Based on the score and internal cut-off values, a variant classified as benign is not then subjected to further curation. The score for this variant resulted in a classification of benign for this disease.